The following is an entry in ClinVar:

ClinVar aggregate classification (germline): Uncertain significance (1 of 4 stars; one submission).

Conditions:
Epileptic encephalopathy. Identifiers: MedGen C0543888, HP:0200134.

gnomAD v4.1: 1 of 1,608,332 alleles (0.000062%); highest among the groups gnomAD compares: Non-Finnish European, 0.000085%; no homozygotes.

Submission:

Labcorp Genetics (formerly Invitae), Labcorp
Classification: Uncertain significance for Epileptic encephalopathy. Last evaluated: 2022-02-17. Review status: criteria provided, single submitter. Criteria: Invitae Variant Classification Sherloc (09022015). Collection method: clinical testing. Allele origin: germline.
Comment: This variant has not been reported in the literature in individuals affected with GABBR2-related conditions. In summary, the available evidence is currently insufficient to determine the role of this variant in disease. Therefore, it has been classified as a Variant of Uncertain Significance. Algorithms developed to predict the effect of missense changes on protein structure and function are either unavailable or do not agree on the potential impact of this missense change (SIFT: "Deleterious"; PolyPhen-2: "Benign"; Align-GVGD: "Class C0"). This variant is not present in population databases (gnomAD no frequency). This sequence change replaces lysine, which is basic and polar, with asparagine, which is neutral and polar, at codon 510 of the GABBR2 protein (p.Lys510Asn).

NM_005458.8(GABBR2):c.1530G>C (p.Lys510Asn)

Gene: GABBR2 (gamma-aminobutyric acid type B receptor subunit 2; minus strand). Cytogenetic location: 9q22.33.
Variant type: single nucleotide variant.
Coding change: c.1530G>C on transcript NM_005458.8 (MANE Select); coding-DNA position 1530, G replaced by C.
Protein change: p.Lys510Asn; replaces lysine 510 with asparagine.
Molecular consequence: missense variant.
Genome position (GRCh38, 1-based): chr9:98,385,772, C>G on the plus strand (G>C on the coding strand, the complement: GABBR2 is on the minus strand). VCF-style: chr9-98385772-C-G. GRCh37 (hg19) VCF-style: chr9-101148054-C-G.
Other names: short protein forms K510N.
Identifiers: ClinVar variation 1976627 (VCV001976627.5), dbSNP rs1588133901, ClinGen allele CA374211091.
Genomic context (GRCh38, chr9:98,385,772, plus strand): 5'-GGAGAGCATCCCTCCAAGGATGATAAGGTTGTTCATGTATGGACTCGACATCTTTATGAG[C>G]CTGACAAGAGAAAGAGACAATAGATTTAACAGAATGGTTAATTTAGTTATTCCTTCAACA-3'
Protein context (NP_005449.5, residues 500-520): LFFNIKNRNQ[Lys510Asn]LIKMSSPYMN